The following is an entry in ClinVar:

NM_000018.4(ACADVL):c.1606-10A>C

Gene: ACADVL (acyl-CoA dehydrogenase very long chain; plus strand). Cytogenetic location: 17p13.1.
Variant type: single nucleotide variant.
Coding change: c.1606-10A>C on transcript NM_000018.4 (MANE Select); 10 bases into the intron before coding-DNA position 1606, A replaced by C.
Molecular consequence: intron variant.
Genome position (GRCh38, 1-based): chr17:7,224,470, A>C. VCF-style: chr17-7224470-A-C. GRCh37 (hg19) VCF-style: chr17-7127789-A-C.
Other names: c.1675-10A>C (NM_001270447.2); c.1378-10A>C (NM_001270448.2); c.1540-10A>C (NM_001033859.3).
Identifiers: ClinVar variation 932823 (VCV000932823.2), dbSNP rs2071381723, ClinGen allele CA1139665156.

ClinVar aggregate classification (germline): Uncertain significance (1 of 4 stars; one submission).

Conditions:
Very long chain acyl-CoA dehydrogenase deficiency (ACADVLD). Also called: Very Long-Chain Acyl-Coenzyme A Dehydrogenase Deficiency; VLCAD Deficiency. Identifiers: Orphanet 26793, MedGen C3887523, MONDO:0008723, OMIM 201475.

Submission:

Wong Mito Lab, Molecular and Human Genetics, Baylor College of Medicine
Classification: Uncertain significance for Very long chain acyl-CoA dehydrogenase deficiency. Last evaluated: 2019-11-01. Review status: criteria provided, single submitter. Criteria: ACMG Guidelines, 2015. Collection method: clinical testing. Allele origin: germline.
Comment: The NM_000018.3:c.1606-10A>C (NP_000009.1:p.?) [GRCH38: NC_000017.11:g.7224470A>C] variant in ACADVL gene is interpretated to be Uncertain Significance based on ACMG guidelines (PMID: 25741868). This variant has been reported. This variant dose not meet any evidence codes reported in the ACMG guidelines.